The following is an entry in ClinVar:

ClinVar aggregate classification (germline): Benign/Likely benign. Review status: criteria provided, multiple submitters, no conflicts (2 of 4 stars). 2 submissions from 2 submitters: Benign (1); Likely benign (1). Last evaluated 2024-05-01.

Conditions:
Familial cancer of breast. Also called: Hereditary breast cancer; hereditary breast carcinoma; BREAST CANCER, FAMILIAL. Identifiers: Orphanet 227535, MedGen C0346153, MONDO:0016419, OMIM 114480. Disease mechanism: loss of function.
Ataxia-telangiectasia syndrome (AT). Also called: Ataxia-telangiectasia, complementation group D; ATAXIA-TELANGIECTASIA, COMPLEMENTATION GROUP A; ATAXIA-TELANGIECTASIA, FRESNO VARIANT; Ataxia-telangiectasia; Ataxia telangiectasia (A-T); Cerebello-oculocutaneous telangiectasia. Identifiers: Orphanet 100, MedGen C0004135, MONDO:0008840, OMIM 208900.

Submissions (2):

Myriad Genetics, Inc.
Classification: Benign for Familial cancer of breast. Last evaluated: 2024-05-01. Review status: criteria provided, single submitter. Criteria: Myriad Autosomal Dominant, Autosomal Recessive and X-Linked Classification Criteria (2023). Collection method: clinical testing. Allele origin: unknown.
Comment: This variant is considered benign. This variant is a silent/synonymous amino acid change and it is not expected to impact splicing.

Labcorp Genetics (formerly Invitae), Labcorp
Classification: Likely benign for Ataxia-telangiectasia syndrome. Last evaluated: 2022-10-10. Review status: criteria provided, single submitter. Criteria: Invitae Variant Classification Sherloc (09022015). Collection method: clinical testing. Allele origin: germline.

NM_000051.4(ATM):c.1719G>A (p.Lys573=)

Gene: ATM (ATM serine/threonine kinase; plus strand). Cytogenetic location: 11q22.3.
Variant type: single nucleotide variant.
Coding change: c.1719G>A on transcript NM_000051.4 (MANE Select); coding-DNA position 1719, G replaced by A.
Protein change: p.Lys573=; no amino-acid change (lysine 573 retained).
Molecular consequence: synonymous variant.
Genome position (GRCh38, 1-based): chr11:108,251,948, G>A. VCF-style: chr11-108251948-G-A. GRCh37 (hg19) VCF-style: chr11-108122675-G-A.
Other names: c.1719G>A, p.Lys573= (NM_001351834.2).
Identifiers: ClinVar variation 2034025 (VCV002034025.5), dbSNP rs2135342073, ClinGen allele CA476672145.